The following is an entry in ClinVar:

NM_001367624.2(ZNF469):c.1381A>T (p.Ser461Cys)

Gene: ZNF469 (zinc finger protein 469; plus strand). Cytogenetic location: 16q24.2.
Variant type: single nucleotide variant.
Coding change: c.1381A>T on transcript NM_001367624.2 (MANE Select); coding-DNA position 1381, A replaced by T.
Protein change: p.Ser461Cys; replaces serine 461 with cysteine.
Molecular consequence: missense variant.
Genome position (GRCh38, 1-based): chr16:88,428,851, A>T. VCF-style: chr16-88428851-A-T. GRCh37 (hg19) VCF-style: chr16-88495259-A-T.
Other names: NM_001127464.1:c.1381A>T; short protein forms S461C.
Identifiers: ClinVar variation 2429499 (VCV002429499.5), dbSNP rs2507574733, ClinGen allele CA397066447.

ClinVar aggregate classification (germline): Uncertain significance. Review status: criteria provided, multiple submitters, no conflicts (2 of 4 stars). 3 submissions from 3 submitters: Uncertain significance (3). Last evaluated 2026-06-14.

Conditions:
Cardiovascular phenotype. Identifiers: MedGen CN230736.

Allele frequency attached by ClinVar (database versions not stated): gnomAD exomes below 0.00001.
gnomAD v4.1: 1 of 1,548,336 alleles (0.000065%); highest among the groups gnomAD compares: Non-Finnish European, 0.000087%; no homozygotes.

Submissions (3):

Ambry Genetics
Classification: Uncertain significance for Cardiovascular phenotype. Last evaluated: 2026-06-14. Review status: criteria provided, single submitter. Criteria: Ambry Variant Classification Scheme 2023. Collection method: clinical testing. Allele origin: germline.
Comment: The p.S461C variant (also known as c.1381A>T), located in coding exon 1 of the ZNF469 gene, results from an A to T substitution at nucleotide position 1381. The serine at codon 461 is replaced by cysteine, an amino acid with dissimilar properties. This amino acid position is conserved. In addition, this alteration is predicted to be tolerated by in silico analysis. Based on the available evidence, the clinical significance of this variant remains unclear.

Labcorp Genetics (formerly Invitae), Labcorp
Classification: Uncertain significance. Last evaluated: 2023-04-12. Review status: criteria provided, single submitter. Criteria: Invitae Variant Classification Sherloc (09022015). Collection method: clinical testing. Allele origin: germline.
Comment: This sequence change replaces serine, which is neutral and polar, with cysteine, which is neutral and slightly polar, at codon 461 of the ZNF469 protein (p.Ser461Cys). This variant is not present in population databases (gnomAD no frequency). This variant has not been reported in the literature in individuals affected with ZNF469-related conditions. ClinVar contains an entry for this variant (Variation ID: 2429499). An algorithm developed to predict the effect of missense changes on protein structure and function (PolyPhen-2) suggests that this variant is likely to be tolerated. In summary, the available evidence is currently insufficient to determine the role of this variant in disease. Therefore, it has been classified as a Variant of Uncertain Significance.

GeneDx
Classification: Uncertain significance. Last evaluated: 2022-08-10. Review status: criteria provided, single submitter. Criteria: GeneDx Variant Classification Process June 2021. Collection method: clinical testing. Allele origin: germline. Affected: yes.
Comment: Not observed at significant frequency in large population cohorts (gnomAD); In silico analysis supports that this missense variant does not alter protein structure/function; Has not been previously published as pathogenic or benign to our knowledge